The following is an entry in ClinVar:

NM_001256789.3(CACNA1F):c.2616dup (p.Ser873fs)

Gene: CACNA1F (calcium voltage-gated channel subunit alpha1 F; minus strand). Cytogenetic location: Xp11.23.
Variant type: Duplication.
Coding change: c.2616dup on transcript NM_001256789.3 (MANE Select); coding-DNA position 2616, one base duplicated (C; older notation c.2616dupC).
Protein change: p.Ser873fs; shifts the reading frame from serine 873.
Molecular consequence: frameshift variant.
Genome position (GRCh38, 1-based): chrX:49,219,378, G duplicated on the plus strand (C on the coding strand, the reverse complement: CACNA1F is on the minus strand). VCF-style (leftmost placement, unchanged base first): chrX-49219377-T-TG. GRCh37 (hg19) VCF-style: chrX-49075836-T-TG.
Other names: c.2454dup, p.Ser819fs (NM_001256790.3); c.2649dup, p.Ser884fs (NM_005183.4); short protein forms S819fs, S873fs, S884fs.
Identifiers: ClinVar variation 1454940 (VCV001454940.6), dbSNP rs2147909707, ClinGen allele CA2573158899.

ClinVar aggregate classification (germline): Pathogenic (1 of 4 stars; one submission).

Submission:

Labcorp Genetics (formerly Invitae), Labcorp
Classification: Pathogenic. Last evaluated: 2022-06-26. Review status: criteria provided, single submitter. Criteria: Invitae Variant Classification Sherloc (09022015). Collection method: clinical testing. Allele origin: germline.
Comment: This sequence change creates a premature translational stop signal (p.Ser884Glnfs*8) in the CACNA1F gene. It is expected to result in an absent or disrupted protein product. Loss-of-function variants in CACNA1F are known to be pathogenic (PMID: 9662399, 11281458, 17525176, 22194652, 24124559, 26992781). This variant is not present in population databases (gnomAD no frequency). This premature translational stop signal has been observed in individual(s) with CACNA1F-related disorders (PMID: 32856788). For these reasons, this variant has been classified as Pathogenic.

Literature cited by the submitters: PubMed 9662399; PubMed 11281458; PubMed 17525176; PubMed 22194652; PubMed 24124559; PubMed 26992781; PubMed 32856788.